The following is an entry in ClinVar:

NM_133433.4(NIPBL):c.6498+142A>G

Gene: NIPBL (NIPBL cohesin loading factor; plus strand). Cytogenetic location: 5p13.2.
Variant type: single nucleotide variant.
Coding change: c.6498+142A>G on transcript NM_133433.4 (MANE Select); 142 bases into the intron after coding-DNA position 6498, A replaced by G.
Molecular consequence: intron variant.
Genome position (GRCh38, 1-based): chr5:37,045,739, A>G. VCF-style: chr5-37045739-A-G. GRCh37 (hg19) VCF-style: chr5-37045841-A-G.
Other names: c.6498+142A>G (NM_015384.5).
Identifiers: ClinVar variation 673935 (VCV000673935.1), dbSNP rs301859, ClinGen allele CA11998960.

ClinVar aggregate classification (germline): Benign (1 of 4 stars; one submission).

Allele frequency attached by ClinVar (database versions not stated): gnomAD exomes 0.47037; gnomAD 0.56987 and 0.57272; TOPMed 0.59396; 1000 Genomes Project 0.62101; 1000 Genomes Project 30x 0.62664.
gnomAD v4.1: 422,845 of 865,088 alleles (49%); highest among the groups gnomAD compares: African/African-American, 82%; 108,936 homozygotes.

Submission:

GeneDx
Classification: Benign. Last evaluated: 2018-06-16. Review status: criteria provided, single submitter. Criteria: GeneDx Variant Classification (06012015). Collection method: clinical testing. Allele origin: germline. Affected: yes.
Comment: This variant is considered likely benign or benign based on one or more of the following criteria: it is a conservative change, it occurs at a poorly conserved position in the protein, it is predicted to be benign by multiple in silico algorithms, and/or has population frequency not consistent with disease.